The following is an entry in ClinVar:

ClinVar aggregate classification (germline): Uncertain significance. Review status: criteria provided, multiple submitters, no conflicts (2 of 4 stars). 3 submissions from 3 submitters: Uncertain significance (3). Last evaluated 2026-07-24.

Conditions:
Ehlers-Danlos syndrome (EDS). Identifiers: Orphanet 98249, MedGen C0013720, MONDO:0020066.
Cardiovascular phenotype. Identifiers: MedGen CN230736.

Allele frequency attached by ClinVar (database versions not stated): TOPMed 0.00001; gnomAD exomes 0.00002; ExAC 0.00003; gnomAD 0.00002.
gnomAD v4.1: 74 of 1,574,334 alleles (0.0047%); highest among the groups gnomAD compares: East Asian, 0.009%; no homozygotes.

Submissions (3):

GeneDx
Classification: Uncertain significance. Last evaluated: 2026-07-24. Review status: criteria provided, single submitter. Criteria: GeneDx Variant Classification Process June 2021. Collection method: clinical testing. Allele origin: germline.
Comment: Has not been previously published as pathogenic or benign to our knowledge; In silico analysis supports that this missense variant has a deleterious effect on protein structure/function

Ambry Genetics
Classification: Uncertain significance for Cardiovascular phenotype. Last evaluated: 2023-07-14. Review status: criteria provided, single submitter. Criteria: Ambry Variant Classification Scheme 2023. Collection method: clinical testing. Allele origin: germline.

Genome Diagnostics Laboratory, The Hospital for Sick Children
Classification: Uncertain significance for Ehlers-Danlos syndrome. Last evaluated: 2021-08-18. Review status: criteria provided, single submitter. Criteria: ACMG Guidelines, 2015. Collection method: clinical testing. Allele origin: germline.

NM_001365276.2(TNXB):c.5269G>A (p.Gly1757Ser)

Gene: TNXB (tenascin XB; minus strand). Cytogenetic location: 6p21.33.
Variant type: single nucleotide variant.
Coding change: c.5269G>A on transcript NM_001365276.2 (MANE Select); coding-DNA position 5269, G replaced by A.
Protein change: p.Gly1757Ser; replaces glycine 1757 with serine.
Molecular consequence: missense variant.
Genome position (GRCh38, 1-based): chr6:32,070,136, C>T on the plus strand (G>A on the coding strand, the complement: TNXB is on the minus strand). VCF-style: chr6-32070136-C-T. GRCh37 (hg19) VCF-style: chr6-32037913-C-T.
Other names: c.5269G>A, p.Gly1757Ser (NM_019105.8); short protein forms G1757S.
Identifiers: ClinVar variation 1702336 (VCV001702336.7), dbSNP rs747658329, ClinGen allele CA3734751.